The following is an entry in ClinVar:

NM_001077350.3(NPRL3):c.8ACA[1] (p.Asn4del)

Genes: HBA-LCR (alpha-globin locus control region; plus strand), NPRL3 (NPR3 like, GATOR1 complex subunit; minus strand). Cytogenetic location: 16p13.3.
Variant type: Microsatellite.
Coding change: c.8ACA[1] on transcript NM_001077350.3 (MANE Select); one copy of the 3-base unit ACA starting at c.8; the reference has two copies in a row; one copy, 3 bases deleted; also written c.11_13del.
Protein change: p.Asn4del; deletes asparagine 4.
Molecular consequence: inframe deletion. On other transcripts: 5 prime UTR variant (2).
Genome position (GRCh38, 1-based): chr16:138,255-138,257, TGT deleted on the plus strand (ACA on the coding strand, the reverse complement: NPRL3 is on the minus strand); deleting any 3 consecutive bases within chr16:138,255-138,260 gives the same sequence; the position shown is the placement nearest the transcript's 3' end. VCF-style (leftmost placement, unchanged base first): chr16-138254-GTGT-G. GRCh37 (hg19) VCF-style: chr16-188253-GTGT-G.
Other names: c.-325ACA[1] (NM_001039476.3); c.-364ACA[1] (NM_001243247.2); c.8ACA[1], p.Asn4del (NM_001243248.2, NM_001243249.2); c.11_13del (NM_001077350.2); short protein forms N4del.
Identifiers: ClinVar variation 1469270 (VCV001469270.7), dbSNP rs2141995584, ClinGen allele CA2580613352.

ClinVar aggregate classification (germline): Uncertain significance. Review status: criteria provided, multiple submitters, no conflicts (2 of 4 stars). 2 submissions from 2 submitters: Uncertain significance (2). Last evaluated 2024-10-22.

Conditions:
Epilepsy, familial focal, with variable foci 3 (FFEVF3). Identifiers: MedGen C4310708, MONDO:0014925, OMIM 617118.

Submissions (2):

Labcorp Genetics (formerly Invitae), Labcorp
Classification: Uncertain significance for Epilepsy, familial focal, with variable foci 3. Last evaluated: 2024-10-22. Review status: criteria provided, single submitter. Criteria: Invitae Variant Classification Sherloc (09022015). Collection method: clinical testing. Allele origin: germline.
Comment: This variant, c.11_13del, results in the deletion of 1 amino acid(s) of the NPRL3 protein (p.Asn4del), but otherwise preserves the integrity of the reading frame. This variant is not present in population databases (gnomAD no frequency). This variant has not been reported in the literature in individuals affected with NPRL3-related conditions. Experimental studies and prediction algorithms are not available or were not evaluated, and the functional significance of this variant is currently unknown. In summary, the available evidence is currently insufficient to determine the role of this variant in disease. Therefore, it has been classified as a Variant of Uncertain Significance.

GeneDx
Classification: Uncertain significance. Last evaluated: 2024-08-09. Review status: criteria provided, single submitter. Criteria: GeneDx Variant Classification Process June 2021. Collection method: clinical testing. Allele origin: germline. Affected: yes.
Comment: Not observed at significant frequency in large population cohorts (gnomAD); In-frame deletion of 1 amino acid in a non-repeat region; Has not been previously published as pathogenic or benign to our knowledge